The following is an entry in ClinVar:

ClinVar aggregate classification (germline): Benign (1 of 4 stars; one submission).

Allele frequency attached by ClinVar (database versions not stated): 1000 Genomes Project 30x 0.10712; gnomAD 0.12465 and 0.12224; 1000 Genomes Project 0.10703; gnomAD exomes 0.06772; TOPMed 0.12164.

Submission:

GeneDx
Classification: Benign. Last evaluated: 2018-06-18. Review status: criteria provided, single submitter. Criteria: GeneDx Variant Classification (06012015). Collection method: clinical testing. Allele origin: germline. Affected: yes.
Comment: This variant is considered likely benign or benign based on one or more of the following criteria: it is a conservative change, it occurs at a poorly conserved position in the protein, it is predicted to be benign by multiple in silico algorithms, and/or has population frequency not consistent with disease.

NM_001999.3(FBN2):c.-671T>C

Gene: FBN2 (fibrillin 2; minus strand). Cytogenetic location: 5q23.3.
Variant type: single nucleotide variant.
Coding change: c.-671T>C on transcript NM_001999.3; 671 bases upstream of the start codon, T replaced by C.
Genome position (GRCh38, 1-based): chr5:128,538,274, A>G on the plus strand (T>C on the coding strand, the complement: FBN2 is on the minus strand). VCF-style: chr5-128538274-A-G. GRCh37 (hg19) VCF-style: chr5-127873967-A-G.
Identifiers: ClinVar variation 683523 (VCV000683523.3), dbSNP rs138741640, ClinGen allele CA127060134.